The following is an entry in ClinVar:

ClinVar aggregate classification (germline): Likely pathogenic. Review status: reviewed by expert panel (3 of 4 stars). 3 submissions from 3 submitters: Likely pathogenic (1). 2 of the submissions do not count toward it. Last evaluated 2025-01-29.

Conditions:
Monogenic diabetes. Identifiers: Orphanet 183625, MedGen C3888631, MONDO:0015967.

Submissions (3):

ClinGen Monogenic Diabetes Variant Curation Expert Panel
Classification: Likely pathogenic for Monogenic diabetes. Last evaluated: 2025-01-29. Review status: reviewed by expert panel. Criteria: ClinGen Diabetes ACMG Specifications HNF1A V2.1.0. Collection method: curation. Allele origin: germline. Inheritance: Autosomal dominant inheritance.
Comment: The c.461T>C variant in the HNF1 homeobox A gene, HNF1A, causes an amino acid change of methionine to threonine at codon 154 (p.(Met154Thr)) of NM_000545.8. This variant is located within a conserved region of the DNA binding domain (codons 107-174 and 201-280) of HNF1A, which is defined as critical for the protein’s function by the ClinGen MDEP (PM1_Supporting). This variant is absent from gnomAD v2.1.1 (PM2_Supporting). This variant is predicted to be deleterious by computational evidence, with a REVEL score of 0.973, which is greater than the MDEP VCEP threshold of 0.70 (PP3). This variant was identified in an individual with a clinical history highly specific for HNF1A-MODY (MODY probability calculator result >50%, negative genetic testing for HNF4A) (PP4; internal lab contributors). This variant was identified in four unrelated individuals with non-autoimmune and non-absolute/near-absolute insulin-deficient diabetes (PS4_Moderate; PMID 27083284, internal lab contributors). Additionally, this variant segregated with diabetes with three informative meioses in three families (PP1_Moderate; PMID: 27083284, internal lab contributors). Another missense variant, c.460A>G p.Met154Val, has been classified as likely pathogenic by the ClinGen MDEP (PM5_Supporting). In summary, c.461T>C meets the criteria to be classified as likely pathogenic for monogenic diabetes. ACMG/AMP criteria applied, as specified by the ClinGen MDEP (specification version 2.1.0, approved 8/11/2023): PS4_Moderate, PP1_Moderate, PM1_Supporting, PM2_Supporting, PM5_Supporting, PP3, PP4.

Labcorp Genetics (formerly Invitae), Labcorp
Classification: Uncertain significance. Last evaluated: 2023-12-16. Review status: criteria provided, single submitter. Criteria: Invitae Variant Classification Sherloc (09022015). Collection method: clinical testing. Allele origin: germline. Not counted in ClinVar's aggregate classification.
Comment: This sequence change replaces methionine, which is neutral and non-polar, with threonine, which is neutral and polar, at codon 154 of the HNF1A protein (p.Met154Thr). This variant is not present in population databases (gnomAD no frequency). This missense change has been observed in individual(s) with maturity-onset diabetes of the young (PMID: 18003757, 27083284). ClinVar contains an entry for this variant (Variation ID: 1317657). Advanced modeling of protein sequence and biophysical properties (such as structural, functional, and spatial information, amino acid conservation, physicochemical variation, residue mobility, and thermodynamic stability) performed at Invitae indicates that this missense variant is not expected to disrupt HNF1A protein function with a negative predictive value of 80%. This variant disrupts the p.Met154 amino acid residue in HNF1A. Other variant(s) that disrupt this residue have been observed in individuals with HNF1A-related conditions (PMID: 32017842), which suggests that this may be a clinically significant amino acid residue. In summary, the available evidence is currently insufficient to determine the role of this variant in disease. Therefore, it has been classified as a Variant of Uncertain Significance.

GeneDx
Classification: Uncertain significance. Last evaluated: 2019-05-01. Review status: criteria provided, single submitter. Criteria: GeneDx Variant Classification Process June 2021. Collection method: clinical testing. Allele origin: germline. Affected: yes. Not counted in ClinVar's aggregate classification.
Comment: In silico analysis, which includes protein predictors and evolutionary conservation, supports a deleterious effect; This variant is associated with the following publications: (PMID: 18003757, 27083284)

Literature cited by the submitters: PubMed 18003757 (cited by Labcorp Genetics (formerly Invitae), Labcorp); PubMed 27083284 (cited by Labcorp Genetics (formerly Invitae), Labcorp); PubMed 32017842 (cited by Labcorp Genetics (formerly Invitae), Labcorp).

NM_000545.8(HNF1A):c.461T>C (p.Met154Thr)

Gene: HNF1A (HNF1 homeobox A; plus strand). Cytogenetic location: 12q24.31.
Variant type: single nucleotide variant.
Coding change: c.461T>C on transcript NM_000545.8 (MANE Select); coding-DNA position 461, T replaced by C.
Protein change: p.Met154Thr; replaces methionine 154 with threonine.
Molecular consequence: missense variant.
Genome position (GRCh38, 1-based): chr12:120,988,967, T>C. VCF-style: chr12-120988967-T-C. GRCh37 (hg19) VCF-style: chr12-121426770-T-C.
Other names: NM_000545.8(HNF1A):c.461T>C; p.Met154Thr; c.461T>C, p.Met154Thr (NM_001306179.2); short protein forms M154T.
Identifiers: ClinVar variation 1317657 (VCV001317657.5), dbSNP rs2135832753, ClinGen allele CA386960242.